The following is an entry in ClinVar:

NM_000038.6(APC):c.7134T>A (p.Leu2378=)

Gene: APC (APC regulator of Wnt signaling pathway; plus strand). Cytogenetic location: 5q22.2.
Variant type: single nucleotide variant.
Coding change: c.7134T>A on transcript NM_000038.6 (MANE Select); coding-DNA position 7134, T replaced by A.
Protein change: p.Leu2378=; no amino-acid change (leucine 2378 retained).
Molecular consequence: synonymous variant.
Genome position (GRCh38, 1-based): chr5:112,842,728, T>A. VCF-style: chr5-112842728-T-A. GRCh37 (hg19) VCF-style: chr5-112178425-T-A.
Other names: c.7134T>A, p.Leu2378= (NM_001127510.3, NM_001354895.2); c.7080T>A, p.Leu2360= (NM_001127511.3); c.7188T>A, p.Leu2396= (NM_001354896.2); c.7164T>A, p.Leu2388= (NM_001354897.2); c.7059T>A, p.Leu2353= (NM_001354898.2); c.7050T>A, p.Leu2350= (NM_001354899.2); c.7011T>A, p.Leu2337= (NM_001354900.2); c.6957T>A, p.Leu2319= (NM_001354901.2); and 5 more.
Identifiers: ClinVar variation 482362 (VCV000482362.18), dbSNP rs1554088049, ClinGen allele CA446210111.

ClinVar aggregate classification (germline): Benign/Likely benign. Review status: criteria provided, multiple submitters, no conflicts (2 of 4 stars). 3 submissions from 3 submitters: Benign (1); Likely benign (2). Last evaluated 2024-05-07.

Conditions:
Hereditary cancer-predisposing syndrome. Also called: Neoplastic Syndromes, Hereditary; Tumor predisposition; Hereditary Cancer Syndrome; Hereditary neoplastic syndrome. Identifiers: Orphanet 140162, MedGen C0027672, MeSH D009386, MONDO:0015356.
Familial adenomatous polyposis 1 (FAP1). Also called: FAMILIAL ADENOMATOUS POLYPOSIS 1, ATTENUATED; POLYPOSIS, ADENOMATOUS INTESTINAL. Identifiers: MedGen C2713442, MONDO:0021056, OMIM 175100. Disease mechanism: loss of function.

Allele frequency attached by ClinVar (database versions not stated): TOPMed below 0.00001; gnomAD 0.00001; gnomAD exomes 0.00001.
gnomAD v4.1: 4 of 1,613,822 alleles (0.00025%); highest among the groups gnomAD compares: Non-Finnish European, 0.00034%; no homozygotes.

Submissions (3):

Labcorp Genetics (formerly Invitae), Labcorp
Classification: Likely benign for Familial adenomatous polyposis 1. Last evaluated: 2024-05-07. Review status: criteria provided, single submitter. Criteria: Invitae Variant Classification Sherloc (09022015). Collection method: clinical testing. Allele origin: germline.

Myriad Genetics, Inc.
Classification: Benign for Familial adenomatous polyposis 1. Last evaluated: 2024-04-09. Review status: criteria provided, single submitter. Criteria: Myriad Autosomal Dominant, Autosomal Recessive and X-Linked Classification Criteria (2023). Collection method: clinical testing. Allele origin: unknown.
Comment: This variant is considered benign. This variant is a silent/synonymous amino acid change and it is not expected to impact splicing.

Ambry Genetics
Classification: Likely benign for Hereditary cancer-predisposing syndrome. Last evaluated: 2016-05-23. Review status: criteria provided, single submitter. Criteria: Ambry Variant Classification Scheme 2023. Collection method: clinical testing. Allele origin: germline.